The following is an entry in ClinVar:

ClinVar aggregate classification (germline): Uncertain significance (1 of 4 stars; one submission).

Conditions:
Deficiency of aromatic-L-amino-acid decarboxylase. Also called: Aromatic amino acid decarboxylase deficiency; Aromatic L-Amino Acid Decarboxylase Deficiency; AADC DEFICIENCY; DDC DEFICIENCY; DOPA DECARBOXYLASE DEFICIENCY. Identifiers: Orphanet 35708, MedGen C1291564, MONDO:0012084, OMIM 608643.

Allele frequency attached by ClinVar (database versions not stated): gnomAD exomes below 0.00001.
gnomAD v4.1: 2 of 1,613,190 alleles (0.00012%); highest among the groups gnomAD compares: Non-Finnish European, 0.00017%; no homozygotes.

Submission:

Labcorp Genetics (formerly Invitae), Labcorp
Classification: Uncertain significance for Deficiency of aromatic-L-amino-acid decarboxylase. Last evaluated: 2022-07-19. Review status: criteria provided, single submitter. Criteria: Invitae Variant Classification Sherloc (09022015). Collection method: clinical testing. Allele origin: germline.
Comment: In summary, the available evidence is currently insufficient to determine the role of this variant in disease. Therefore, it has been classified as a Variant of Uncertain Significance. Algorithms developed to predict the effect of missense changes on protein structure and function (SIFT, PolyPhen-2, Align-GVGD) all suggest that this variant is likely to be disruptive. This variant has not been reported in the literature in individuals affected with DDC-related conditions. This variant is not present in population databases (gnomAD no frequency). This sequence change replaces arginine, which is basic and polar, with cysteine, which is neutral and slightly polar, at codon 358 of the DDC protein (p.Arg358Cys).

NM_001082971.2(DDC):c.1072C>T (p.Arg358Cys)

Gene: DDC (dopa decarboxylase; minus strand). Cytogenetic location: 7p12.2.
Variant type: single nucleotide variant.
Coding change: c.1072C>T on transcript NM_001082971.2 (MANE Select); coding-DNA position 1072, C replaced by T.
Protein change: p.Arg358Cys; replaces arginine 358 with cysteine.
Molecular consequence: missense variant.
Genome position (GRCh38, 1-based): chr7:50,470,141, G>A on the plus strand (C>T on the coding strand, the complement: DDC is on the minus strand). VCF-style: chr7-50470141-G-A. GRCh37 (hg19) VCF-style: chr7-50537839-G-A.
Other names: c.1072C>T, p.Arg358Cys (NM_000790.4); c.958C>T, p.Arg320Cys (NM_001242886.2); c.928C>T, p.Arg310Cys (NM_001242887.2); c.838C>T, p.Arg280Cys (NM_001242888.2); c.793C>T, p.Arg265Cys (NM_001242889.2); short protein forms R358C, R280C, R320C, R265C, R310C.
Identifiers: ClinVar variation 2091411 (VCV002091411.4), dbSNP rs1562983213, ClinGen allele CA367533517.
Genomic context (GRCh38, chr7:50,470,141, plus strand): 5'-TATAAGCCTGCAGTCCTTTGACTCCATACATCCTAAATACAAACCACATTTTCAAAGAGC[G>A]AAATCTTCTGCCCAGTGGTATCTGCCAATGCTGAAATGAAACATGAAACAGACCATCAGT-3'
Protein context (NP_001076440.2, residues 348-368): HWQIPLGRRF[Arg358Cys]SLKMWFVFRM